The following is an entry in ClinVar:

ClinVar aggregate classification (germline): Benign. Review status: criteria provided, multiple submitters, no conflicts (2 of 4 stars). 6 submissions from 5 submitters: Benign (2). 4 of the submissions do not count toward it. Last evaluated 2025-09-15.

Conditions:
Pericementitis. Identifiers: MedGen C0031051, MeSH D010518.
COPD, severe early onset. Also called: Pulmonary disease, chronic obstructive, severe early-onset. Identifiers: MedGen C1847014, MONDO:0011751.
Susceptibility to severe coronavirus disease (COVID-19). Also called: Susceptibility to severe coronavirus disease COVID-19.
TLR4-related disorder. Also called: TLR4-related condition.
TLR4 POLYMORPHISM.

Allele frequency attached by ClinVar (database versions not stated): TOPMed 0.05962; 1000 Genomes Project 0.05990; ExAC 0.05990; 1000 Genomes Project 30x 0.06074; gnomAD exomes 0.06190; gnomAD 0.06665.
gnomAD v4.1: 100,839 of 1,613,856 alleles (6.2%); highest among the groups gnomAD compares: South Asian, 11%; 3,677 homozygotes.

Submissions (6):

PreventionGenetics, part of Exact Sciences
Classification: Benign for TLR4-related condition. Last evaluated: 2025-09-15. Review status: criteria provided, single submitter. Criteria: ACMG Guidelines, 2015. Collection method: clinical testing. Allele origin: germline.
Comment: This variant is classified as benign based on ACMG/AMP sequence variant interpretation guidelines (Richards et al. 2015 PMID: 25741868, with internal and published modifications).

Breakthrough Genomics
Classification: Benign. Review status: criteria provided, single submitter. Criteria: ACMG Guidelines, 2015. Collection method: not provided. Allele origin: germline. Inheritance: Unknown mechanism. Affected: yes.

Pneumogenomics Laboratory, Instituto Nacional de Enfermedades Respiratorias Ismael Cosio Villegas
Classification: Likely risk allele for Chronic obstructive pulmonary disease. Last evaluated: 2023-09-01. Review status: no assertion criteria provided. Collection method: research. Allele origin: germline. Affected: yes. Not counted in ClinVar's aggregate classification.
Comment: Allele associated with the development of COPD secondary to tobacco smoke

OsteoImmunology Lab, Universidade de Sao Paulo
Classification: protective for Pericementitis. Last evaluated: 2018-12-03. Review status: no assertion criteria provided. Collection method: case-control. Allele origin: somatic. Inheritance: Autosomal dominant inheritance. Affected: yes. Observed: 128 variant alleles, 122 heterozygotes, 6 homozygotes. Clinical features observed: resistance to inflammatory periodontal resorption. Not counted in ClinVar's aggregate classification.
Comment: In an exploratory population (N=570, 186 cases/ 384 controls), rs4986790 demonstrated a significant protective effect for the phenotype of chronic periodontitis [OR 0.3315, CI 0.14-0.75, p-value 0.005] . The association analysis combining the exploratory and three independent validation populations (N=1410; 528 cases and 882 controls) demonstrated a significant protective effect of the polymorphic allele for the phenotype â€˜susceptibility for inflammatory alveolar bone resorptionâ€™ [OR 0.57, CI 0.38-0.85, p-value 0.005].

OMIM
Classification: Benign for TLR4 POLYMORPHISM. Last evaluated: 2007-09-01. Review status: no assertion criteria provided. Collection method: literature only. Allele origin: germline. Not counted in ClinVar's aggregate classification.

Pneumogenomics Laboratory, Instituto Nacional de Enfermedades Respiratorias Ismael Cosio Villegas
Classification: Uncertain significance for Susceptibility to severe coronavirus disease (COVID-19). Review status: no assertion criteria provided. Collection method: research. Allele origin: germline. Affected: yes. Observed: 1,169 variant alleles. Clinical features observed: Severe COVID-19. Not counted in ClinVar's aggregate classification.

Literature cited by the submitters: PubMed 26174031 (cited by OsteoImmunology Lab, Universidade de Sao Paulo); PubMed 26079505 (cited by OsteoImmunology Lab, Universidade de Sao Paulo); PubMed 10835634 (cited by OMIM); PubMed 12124407 (cited by OMIM); PubMed 16879199 (cited by OMIM); PubMed 15829498 (cited by OMIM); PubMed 17704786 (cited by OMIM); PubMed 15547160 (cited by OMIM).

NM_138554.5(TLR4):c.896A>G (p.Asp299Gly)

Gene: TLR4 (toll like receptor 4; plus strand). Cytogenetic location: 9q33.1.
Variant type: single nucleotide variant.
Coding change: c.896A>G on transcript NM_138554.5 (MANE Select); coding-DNA position 896, A replaced by G.
Protein change: p.Asp299Gly; replaces aspartic acid 299 with glycine.
Molecular consequence: missense variant.
Genome position (GRCh38, 1-based): chr9:117,713,024, A>G. VCF-style: chr9-117713024-A-G. GRCh37 (hg19) VCF-style: chr9-120475302-A-G.
Other names: c.776A>G, p.Asp259Gly (NM_003266.4); c.296A>G, p.Asp99Gly (NM_138557.3); c.896A>G (NM_138554.4); short protein forms D299G, D99G, D259G.
Identifiers: ClinVar variation 6660 (VCV000006660.9), dbSNP rs4986790, ClinGen allele CA118404.
Genomic context (GRCh38, chr9:117,713,024, plus strand): 5'-GCCTGTGCAATTTGACCATTGAAGAATTCCGATTAGCATACTTAGACTACTACCTCGATG[A>G]TATTATTGACTTATTTAATTGTTTGACAAATGTTTCTTCATTTTCCCTGGTGAGTGTGAC-3'
Protein context (NP_612564.1, residues 289-309): RLAYLDYYLD[Asp299Gly]IIDLFNCLTN